The following is an entry in ClinVar:

NM_022114.4(PRDM16):c.3357G>C (p.Glu1119Asp)

Gene: PRDM16 (PR/SET domain 16; plus strand). Cytogenetic location: 1p36.32.
Variant type: single nucleotide variant.
Coding change: c.3357G>C on transcript NM_022114.4 (MANE Select); coding-DNA position 3357, G replaced by C.
Protein change: p.Glu1119Asp; replaces glutamic acid 1119 with aspartic acid.
Molecular consequence: missense variant.
Genome position (GRCh38, 1-based): chr1:3,430,944, G>C. VCF-style: chr1-3430944-G-C. GRCh37 (hg19) VCF-style: chr1-3347508-G-C.
Other names: c.3357G>C, p.Glu1119Asp (NM_199454.3); short protein forms E1119D.
Identifiers: ClinVar variation 565392 (VCV000565392.11), dbSNP rs756442796, ClinGen allele CA544846.

ClinVar aggregate classification (germline): Uncertain significance. Review status: criteria provided, multiple submitters, no conflicts (2 of 4 stars). 6 submissions from 6 submitters: Uncertain significance (6). Last evaluated 2025-11-12.

Conditions:
Left ventricular noncompaction 8 (LVNC8). Identifiers: Orphanet 154, Orphanet 54260, MedGen C3809288, MONDO:0014152, OMIM 615373.
Inborn genetic diseases. Identifiers: MedGen C0950123, MeSH D030342.

Allele frequency attached by ClinVar (database versions not stated): TOPMed below 0.00001; ExAC 0.00002; gnomAD exomes 0.00003.
gnomAD v4.1: 53 of 1,613,926 alleles (0.0033%); highest among the groups gnomAD compares: Middle Eastern, 0.12%; no homozygotes.

Submissions (6):

Labcorp Genetics (formerly Invitae), Labcorp
Classification: Uncertain significance for Left ventricular noncompaction 8. Last evaluated: 2025-11-12. Review status: criteria provided, single submitter. Criteria: Invitae Variant Classification Sherloc (09022015). Collection method: clinical testing. Allele origin: germline.
Comment: This sequence change replaces glutamic acid, which is acidic and polar, with aspartic acid, which is acidic and polar, at codon 1119 of the PRDM16 protein (p.Glu1119Asp). This variant is present in population databases (rs756442796, gnomAD 0.004%). This variant has not been reported in the literature in individuals affected with PRDM16-related conditions. ClinVar contains an entry for this variant (Variation ID: 565392). An algorithm developed to predict the effect of missense changes on protein structure and function outputs the following: PolyPhen-2: "Benign". The aspartic acid amino acid residue is found in multiple mammalian species, which suggests that this missense change does not adversely affect protein function. In summary, the available evidence is currently insufficient to determine the role of this variant in disease. Therefore, it has been classified as a Variant of Uncertain Significance.

Ambry Genetics
Classification: Uncertain significance for Inborn genetic diseases. Last evaluated: 2025-08-12. Review status: criteria provided, single submitter. Criteria: Ambry Variant Classification Scheme 2023. Collection method: clinical testing. Allele origin: germline.

Blueprint Genetics
Classification: Uncertain significance. Last evaluated: 2024-09-11. Review status: criteria provided, single submitter. Criteria: ACMG Guidelines, 2015. Collection method: clinical testing. Allele origin: germline.

ARUP Laboratories, Molecular Genetics and Genomics, ARUP Laboratories
Classification: Uncertain significance. Last evaluated: 2024-01-03. Review status: criteria provided, single submitter. Criteria: ARUP Molecular Germline Variant Investigation Process 2024. Collection method: clinical testing. Allele origin: germline.
Comment: The PRDM16 c.3357G>C; p.Glu1119Asp variant (rs756442796), to our knowledge, is not reported in the medical literature but is reported in ClinVar (Variation ID: 565392). This variant is observed in the general population with an overall allele frequency of 0.003% (8/247628 alleles) in the Genome Aggregation Database (v2.1.1). Computational analyses predict that this variant is neutral (REVEL: 0.075). Due to limited information, the clinical significance of this variant is uncertain at this time.

Women's Health and Genetics/Laboratory Corporation of America, LabCorp
Classification: Uncertain significance. Last evaluated: 2023-10-23. Review status: criteria provided, single submitter. Criteria: LabCorp Variant Classification Summary - May 2015. Collection method: clinical testing. Allele origin: germline.

Fulgent Genetics
Classification: Uncertain significance for Left ventricular noncompaction 8. Last evaluated: 2021-11-15. Review status: criteria provided, single submitter. Criteria: ACMG Guidelines, 2015. Collection method: clinical testing. Allele origin: unknown.